The following is an entry in ClinVar:

NC_000001.10:g.(?_67795250)_(67796513_?)del

Gene: IL12RB2 (interleukin 12 receptor subunit beta 2; plus strand). Cytogenetic location: 1p31.3.
Variant type: Deletion.
Identifiers: ClinVar variation 2424199 (VCV002424199.4).

ClinVar aggregate classification (germline): Uncertain significance (1 of 4 stars; one submission).

Submission:

Labcorp Genetics (formerly Invitae), Labcorp
Classification: Uncertain significance. Last evaluated: 2022-04-18. Review status: criteria provided, single submitter. Criteria: Invitae Variant Classification Sherloc (09022015). Collection method: clinical testing. Allele origin: germline.
Comment: This variant is a gross deletion of the genomic region encompassing exon(s) 6-7 of the IL12RB2 gene. This variant would be expected to be in-frame, preserving the integrity of the reading frame. This variant has not been reported in the literature in individuals affected with IL12RB2-related conditions. Experimental studies and prediction algorithms are not available or were not evaluated, and the functional significance of this variant is currently unknown. In summary, the available evidence is currently insufficient to determine the role of this variant in disease. Therefore, it has been classified as a Variant of Uncertain Significance.